The following is an entry in ClinVar:

ClinVar aggregate classification (germline): Uncertain significance (1 of 4 stars; one submission).

Allele frequency attached by ClinVar (database versions not stated): TOPMed 0.00002.
gnomAD v4.1: 18 of 1,613,800 alleles (0.0011%); highest among the groups gnomAD compares: Middle Eastern, 0.033%; no homozygotes.

Submission:

Labcorp Genetics (formerly Invitae), Labcorp
Classification: Uncertain significance. Last evaluated: 2022-10-17. Review status: criteria provided, single submitter. Criteria: Invitae Variant Classification Sherloc (09022015). Collection method: clinical testing. Allele origin: germline.
Comment: This sequence change replaces aspartic acid, which is acidic and polar, with asparagine, which is neutral and polar, at codon 125 of the RXYLT1 protein (p.Asp125Asn). This variant is present in population databases (rs188655071, gnomAD 0.002%). This variant has not been reported in the literature in individuals affected with RXYLT1-related conditions. ClinVar contains an entry for this variant (Variation ID: 952538). Advanced modeling of protein sequence and biophysical properties (such as structural, functional, and spatial information, amino acid conservation, physicochemical variation, residue mobility, and thermodynamic stability) performed at Invitae indicates that this missense variant is not expected to disrupt RXYLT1 protein function. In summary, the available evidence is currently insufficient to determine the role of this variant in disease. Therefore, it has been classified as a Variant of Uncertain Significance.

NM_014254.3(RXYLT1):c.373G>A (p.Asp125Asn)

Gene: RXYLT1 (ribitol xylosyltransferase 1; plus strand). Cytogenetic location: 12q14.2.
Variant type: single nucleotide variant.
Coding change: c.373G>A on transcript NM_014254.3 (MANE Select); coding-DNA position 373, G replaced by A.
Protein change: p.Asp125Asn; replaces aspartic acid 125 with asparagine.
Molecular consequence: missense variant. On other transcripts: 5 prime UTR variant (1).
Genome position (GRCh38, 1-based): chr12:63,785,017, G>A. VCF-style: chr12-63785017-G-A. GRCh37 (hg19) VCF-style: chr12-64178797-G-A.
Other names: c.-408G>A (NM_001278237.2); short protein forms D125N.
Identifiers: ClinVar variation 952538 (VCV000952538.5), dbSNP rs188655071, ClinGen allele CA6666085.